The following is an entry in ClinVar:

NC_000006.11:g.(?_45296464)_(45405808_?)del

Genes: RUNX2 (RUNX family transcription factor 2; plus strand), SUPT3H (SPT3 homolog, SAGA and STAGA complex component; minus strand). Cytogenetic location: 6p21.1.
Variant type: Deletion.
Identifiers: ClinVar variation 3246084 (VCV003246084.1).

ClinVar aggregate classification (germline): Pathogenic (1 of 4 stars; one submission).

Submission:

Labcorp Genetics (formerly Invitae), Labcorp
Classification: Pathogenic. Last evaluated: 2023-01-28. Review status: criteria provided, single submitter. Criteria: Invitae Variant Classification Sherloc (09022015). Collection method: clinical testing. Allele origin: unknown.
Comment: For these reasons, this variant has been classified as Pathogenic. This variant has not been reported in the literature in individuals affected with RUNX2-related conditions. This variant is a gross deletion of the genomic region encompassing exon(s) 2-5 of the RUNX2 gene, which includes the initiator codon. This deletion extends beyond the assayed region for this gene and therefore may encompass additional genes. It is expected to result in an absent or disrupted protein product. Loss-of-function variants in RUNX2 are known to be pathogenic (PMID: 10521292, 11857736).

Literature cited by the submitters: PubMed 10521292; PubMed 11857736.